The following is an entry in ClinVar:

ClinVar aggregate classification (germline): Likely benign. Review status: criteria provided, single submitter (1 of 4 stars). 2 submissions from 2 submitters: Likely benign (1). 1 of the submissions does not count toward it. Last evaluated 2026-01-12.

Conditions:
DLX6-related disorder. Also called: DLX6-related condition.

Submissions (2):

Labcorp Genetics (formerly Invitae), Labcorp
Classification: Likely benign. Last evaluated: 2026-01-12. Review status: criteria provided, single submitter. Criteria: Invitae Variant Classification Sherloc (09022015). Collection method: clinical testing. Allele origin: germline.

PreventionGenetics, part of Exact Sciences
Classification: Benign for DLX6-related condition. Last evaluated: 2024-08-19. Review status: no assertion criteria provided. Collection method: clinical testing. Allele origin: germline. Not counted in ClinVar's aggregate classification.
Comment: This variant is classified as benign based on ACMG/AMP sequence variant interpretation guidelines (Richards et al. 2015 PMID: 25741868, with internal and published modifications).

NM_005222.4(DLX6):c.134CGC[5] (p.Pro50_Pro53del)

Genes: DLX6 (distal-less homeobox 6; plus strand), DLX6-AS1 (DLX6 antisense RNA 1; minus strand). Cytogenetic location: 7q21.3.
Variant type: Microsatellite.
Coding change: c.134CGC[5] on transcript NM_005222.4 (MANE Select); five copies in a row of the 3-base unit CGC starting at c.134; the reference has nine copies in a row; four copies, 12 bases deleted.
Protein change: p.Pro50_Pro53del.
Molecular consequence: inframe deletion.
Genome position (GRCh38, 1-based): chr7:97,006,126-97,006,137, CGCCGCCGCCGC deleted; deleting any 12 consecutive bases within chr7:97,006,109-97,006,137 gives the same sequence; the position shown is the placement nearest the transcript's 3' end. VCF-style (leftmost placement, unchanged base first): chr7-97006108-AGCCGCCGCCGCC-A. GRCh37 (hg19) VCF-style: chr7-96635420-AGCCGCCGCCGCC-A.
Other names: c.149_160del12 (NM_005222.3).
Identifiers: ClinVar variation 1595843 (VCV001595843.10), dbSNP rs559903070, ClinGen allele CA4353719.